The following is an entry in ClinVar:

ClinVar aggregate classification (germline): Uncertain significance (1 of 4 stars; one submission).

Conditions:
DYRK1B-related disorder. Also called: DYRK1B-related condition.

Submission:

PreventionGenetics, part of Exact Sciences
Classification: Uncertain significance for DYRK1B-related condition. Last evaluated: 2024-12-24. Review status: criteria provided, single submitter. Criteria: ACMG Guidelines, 2015. Collection method: clinical testing. Allele origin: germline.
Comment: The DYRK1B c.1129G>A variant is predicted to result in the amino acid substitution p.Glu377Lys. To our knowledge, this variant has not been reported in the literature or in a large population database (gnomAD), indicating this variant is rare. At this time, the clinical significance of this variant is uncertain due to the absence of conclusive functional and genetic evidence.

NM_004714.3(DYRK1B):c.1129G>A (p.Glu377Lys)

Gene: DYRK1B (dual specificity tyrosine phosphorylation regulated kinase 1B; minus strand). Cytogenetic location: 19q13.2.
Variant type: single nucleotide variant.
Coding change: c.1129G>A on transcript NM_004714.3 (MANE Select); coding-DNA position 1129, G replaced by A.
Protein change: p.Glu377Lys; replaces glutamic acid 377 with lysine.
Molecular consequence: missense variant. On other transcripts: intron variant (1).
Genome position (GRCh38, 1-based): chr19:39,826,954, C>T on the plus strand (G>A on the coding strand, the complement: DYRK1B is on the minus strand). VCF-style: chr19-39826954-C-T. GRCh37 (hg19) VCF-style: chr19-40317594-C-T.
Other names: c.1129G>A, p.Glu377Lys (NM_006484.3); c.1096-87G>A (NM_006483.3); short protein forms E377K.
Identifiers: ClinVar variation 3356428 (VCV003356428.2).